The following is an entry in ClinVar:

ClinVar aggregate classification (germline): Likely pathogenic (1 of 4 stars; one submission).

Submission:

GeneDx
Classification: Likely pathogenic. Last evaluated: 2024-12-07. Review status: criteria provided, single submitter. Criteria: GeneDx Variant Classification Process June 2021. Collection method: clinical testing. Allele origin: germline. Affected: yes.
Comment: Not observed at significant frequency in large population cohorts (gnomAD); In silico analysis indicates that this missense variant does not alter protein structure/function; This variant is associated with the following publications: (PMID: 35982159, 33057194)

NM_170606.3(KMT2C):c.9057G>C (p.Gln3019His)

Gene: KMT2C (lysine methyltransferase 2C; minus strand). Cytogenetic location: 7q36.1.
Variant type: single nucleotide variant.
Coding change: c.9057G>C on transcript NM_170606.3 (MANE Select); coding-DNA position 9057, G replaced by C.
Protein change: p.Gln3019His; replaces glutamine 3019 with histidine.
Molecular consequence: missense variant.
Genome position (GRCh38, 1-based): chr7:152,176,396, C>G on the plus strand (G>C on the coding strand, the complement: KMT2C is on the minus strand). VCF-style: chr7-152176396-C-G. GRCh37 (hg19) VCF-style: chr7-151873481-C-G.
Other names: short protein forms Q3019H.
Identifiers: ClinVar variation 1254730 (VCV001254730.3), dbSNP rs755043772, ClinGen allele CA370076435.
Genomic context (GRCh38, chr7:152,176,396, plus strand): 5'-CTGTGCTAATGTTTGAGGAATCATTAGCTGTTGGGGTCCAGACATGCTACTGGTACCAGA[C>G]TGACTTGTTTGAGGCCCAGTTTGAGTTGCAGGTTTTCCTGTCCCCAGACTGTGGTTAACT-3'
Protein context (NP_733751.2, residues 3009-3029): PATQTGPQTS[Gln3019His]SGTSSMSGPQ